The following is an entry in ClinVar:

ClinVar aggregate classification (germline): Uncertain significance (1 of 4 stars; one submission).

Conditions:
Cardiovascular phenotype. Identifiers: MedGen CN230736.

Submission:

Ambry Genetics
Classification: Uncertain significance for Cardiovascular phenotype. Last evaluated: 2026-09-12. Review status: criteria provided, single submitter. Criteria: Ambry Variant Classification Scheme 2023. Collection method: clinical testing. Allele origin: germline.
Comment: The p.A2485G variant (also known as c.7454C>G), located in coding exon 45 of the FLNC gene, results from a C to G substitution at nucleotide position 7454. The alanine at codon 2485 is replaced by glycine, an amino acid with similar properties. This amino acid position is conserved. In addition, this alteration is predicted to be tolerated by in silico analysis. Based on the available evidence, the clinical significance of this variant remains unclear.

NM_001458.5(FLNC):c.7454C>G (p.Ala2485Gly)

Genes: FLNC (filamin C; plus strand), FLNC-AS1 (FLNC antisense RNA 1; minus strand). Cytogenetic location: 7q32.1.
Variant type: single nucleotide variant.
Coding change: c.7454C>G on transcript NM_001458.5 (MANE Select); coding-DNA position 7454, C replaced by G.
Protein change: p.Ala2485Gly; replaces alanine 2485 with glycine.
Molecular consequence: missense variant.
Genome position (GRCh38, 1-based): chr7:128,856,814, C>G. VCF-style: chr7-128856814-C-G. GRCh37 (hg19) VCF-style: chr7-128496868-C-G.
Other names: c.7355C>G, p.Ala2452Gly (NM_001127487.2); short protein forms A2452G, A2485G.
Identifiers: ClinVar variation 5021974 (VCV005021974.1).
Genomic context (GRCh38, chr7:128,856,814, plus strand): 5'-CCATCCGCTTCATCCCCCACGAGAATGGCGTCCACTCCATCGATGTCAAGTTCAACGGTG[C>G]CCACATCCCTGGAAGTCCCTTCAAGATCCGCGTTGGGGAGCAGAGCCAGGCTGGGGACCC-3'
Protein context (NP_001449.3, residues 2475-2495): VHSIDVKFNG[Ala2485Gly]HIPGSPFKIR